The following is an entry in ClinVar:

ClinVar aggregate classification (germline): Uncertain significance. Review status: criteria provided, multiple submitters, no conflicts (2 of 4 stars). 2 submissions from 2 submitters: Uncertain significance (2). Last evaluated 2025-12-29.

Conditions:
Cardiovascular phenotype. Identifiers: MedGen CN230736.
Hereditary hemorrhagic telangiectasia (HHT). Also called: ORW DISEASE; Osler Weber Rendu syndrome; OSLER-RENDU-WEBER DISEASE; Osler hemorrhagic telangiectasia syndrome. Identifiers: Orphanet 774, MedGen C0039445, MONDO:0019180. Disease mechanism: loss of function.

gnomAD v4.1: 4 of 1,614,202 alleles (0.00025%); highest among the groups gnomAD compares: Non-Finnish European, 0.00025%; no homozygotes.

Submissions (2):

Ambry Genetics
Classification: Uncertain significance for Cardiovascular phenotype. Last evaluated: 2025-12-29. Review status: criteria provided, single submitter. Criteria: Ambry Variant Classification Scheme 2023. Collection method: clinical testing. Allele origin: germline.
Comment: The p.I575M variant (also known as c.1725C>G), located in coding exon 13 of the ENG gene, results from a C to G substitution at nucleotide position 1725. The isoleucine at codon 575 is replaced by methionine, an amino acid with highly similar properties. This amino acid position is conserved. In addition, this alteration is predicted to be tolerated by in silico analysis. Based on the available evidence, the clinical significance of this variant remains unclear.

Labcorp Genetics (formerly Invitae), Labcorp
Classification: Uncertain significance for Hereditary hemorrhagic telangiectasia. Last evaluated: 2021-08-24. Review status: criteria provided, single submitter. Criteria: Invitae Variant Classification Sherloc (09022015). Collection method: clinical testing. Allele origin: germline.
Comment: This sequence change replaces isoleucine with methionine at codon 575 of the ENG protein (p.Ile575Met). The isoleucine residue is weakly conserved and there is a small physicochemical difference between isoleucine and methionine. This variant is not present in population databases (ExAC no frequency). This variant has not been reported in the literature in individuals affected with ENG-related conditions. Algorithms developed to predict the effect of missense changes on protein structure and function are either unavailable or do not agree on the potential impact of this missense change (SIFT: "Tolerated"; PolyPhen-2: "Possibly Damaging"; Align-GVGD: "Class C0"). In summary, the available evidence is currently insufficient to determine the role of this variant in disease. Therefore, it has been classified as a Variant of Uncertain Significance.

NM_001114753.3(ENG):c.1725C>G (p.Ile575Met)

Genes: ENG (endoglin; minus strand), LOC102723566 (uncharacterized LOC102723566; plus strand). Cytogenetic location: 9q34.11.
Variant type: single nucleotide variant.
Coding change: c.1725C>G on transcript NM_001114753.3 (MANE Select); coding-DNA position 1725, C replaced by G.
Protein change: p.Ile575Met; replaces isoleucine 575 with methionine.
Molecular consequence: missense variant. On other transcripts: non-coding transcript variant (1).
Genome position (GRCh38, 1-based): chr9:127,817,165, G>C on the plus strand (C>G on the coding strand, the complement: ENG is on the minus strand). VCF-style: chr9-127817165-G-C. GRCh37 (hg19) VCF-style: chr9-130579444-G-C.
Other names: c.1725C>G, p.Ile575Met (NM_000118.4); c.1179C>G, p.Ile393Met (NM_001278138.2); c.1725C>G (NM_001114753.1); short protein forms I393M, I575M.
Identifiers: ClinVar variation 842851 (VCV000842851.9), dbSNP rs1333193699, ClinGen allele CA374973487.